The following is an entry in ClinVar:

ClinVar aggregate classification (germline): Likely pathogenic (1 of 4 stars; one submission).

Conditions:
3-Methylglutaconic aciduria type 3 (MGCA3). Also called: Costeff Syndrome; OPA3, AUTOSOMAL RECESSIVE; OPTIC ATROPHY 3, AUTOSOMAL RECESSIVE; OPA3-Related 3-Methylglutaconic Aciduria. Identifiers: Orphanet 67047, MedGen C0574084, MONDO:0009787, OMIM 258501.

Submission:

Women's Health and Genetics/Laboratory Corporation of America, LabCorp
Classification: Likely pathogenic for 3-Methylglutaconic aciduria type 3. Last evaluated: 2022-10-03. Review status: criteria provided, single submitter. Criteria: LabCorp Variant Classification Summary - May 2015. Collection method: clinical testing. Allele origin: germline.
Comment: Variant summary: The variant identified by MLPA or other technology involves the deletion of exon 1 that contains the canonical translation initiation codon in the OPA3 gene. A presumed nomenclature of c.(?_-101)_(142+1_143-1)del has been designated for the purposes of this classification. Although exact breakpoints of this deletion are not known, it is expected to result in an absent or shortened protein product, a known mechanism of disease. Several variants are reported in affected individuals in exon 1, including a start loss variant, indicating a functional importance for this region (HGMD). The variant was absent in 21694 control chromosomes (gnomAD structural variants dataset). To our knowledge, no occurrence of c.(?_-101)_(142+1_143-1)del in individuals affected with 3-Methylglutaconic Aciduria Type 3 and no experimental evidence demonstrating its impact on protein function have been reported. One clinical diagnostic laboratory has submitted clinical-significance assessments for this variant to ClinVar after 2014, and classified the variant as pathogenic. Based on the evidence outlined above, the variant was classified as likely pathogenic.

NC_000019.9:g.(46057170_46087880)_(46088123_?)del

Gene: OPA3 (outer mitochondrial membrane lipid metabolism regulator OPA3; minus strand). Cytogenetic location: 19q13.32.
Variant type: Deletion.
Identifiers: ClinVar variation 1723421 (VCV001723421.1).